The following is an entry in ClinVar:

ClinVar aggregate classification (germline): Uncertain significance (1 of 4 stars; one submission).

Allele frequency attached by ClinVar (database versions not stated): gnomAD exomes below 0.00001; ExAC 0.00001; gnomAD 0.00001; TOPMed 0.00002.
gnomAD v4.1: 22 of 1,612,032 alleles (0.0014%); highest among the groups gnomAD compares: Non-Finnish European, 0.0017%; no homozygotes.

Submission:

Labcorp Genetics (formerly Invitae), Labcorp
Classification: Uncertain significance. Last evaluated: 2022-07-26. Review status: criteria provided, single submitter. Criteria: Invitae Variant Classification Sherloc (09022015). Collection method: clinical testing. Allele origin: germline.
Comment: In summary, the available evidence is currently insufficient to determine the role of this variant in disease. Therefore, it has been classified as a Variant of Uncertain Significance. Algorithms developed to predict the effect of missense changes on protein structure and function (SIFT, PolyPhen-2, Align-GVGD) all suggest that this variant is likely to be disruptive. ClinVar contains an entry for this variant (Variation ID: 1394813). This variant has not been reported in the literature in individuals affected with C2-related conditions. This variant is present in population databases (rs779777584, gnomAD 0.002%). This sequence change replaces leucine, which is neutral and non-polar, with valine, which is neutral and non-polar, at codon 607 of the C2 protein (p.Leu607Val).

NM_000063.6(C2):c.1819C>G (p.Leu607Val)

Gene: C2 (complement C2; plus strand). Cytogenetic location: 6p21.33.
Variant type: single nucleotide variant.
Coding change: c.1819C>G on transcript NM_000063.6 (MANE Select); coding-DNA position 1819, C replaced by G.
Protein change: p.Leu607Val; replaces leucine 607 with valine.
Molecular consequence: missense variant.
Genome position (GRCh38, 1-based): chr6:31,944,143, C>G. VCF-style: chr6-31944143-C-G. GRCh37 (hg19) VCF-style: chr6-31911920-C-G.
Other names: c.1423C>G, p.Leu475Val (NM_001145903.3); c.1177C>G, p.Leu393Val (NM_001178063.3); c.1081C>G, p.Leu361Val (NM_001282457.2); c.1732C>G, p.Leu578Val (NM_001282458.2); short protein forms L607V, L578V, L361V, L393V, L475V.
Identifiers: ClinVar variation 1394813 (VCV001394813.6), dbSNP rs779777584, ClinGen allele CA3727805.